The following is an entry in ClinVar:

ClinVar aggregate classification (germline): Uncertain significance (1 of 4 stars; one submission).

Submission:

Labcorp Genetics (formerly Invitae), Labcorp
Classification: Uncertain significance. Last evaluated: 2025-03-31. Review status: criteria provided, single submitter. Criteria: Invitae Variant Classification Sherloc (09022015). Collection method: clinical testing. Allele origin: germline.
Comment: This sequence change replaces alanine, which is neutral and non-polar, with glutamic acid, which is acidic and polar, at codon 560 of the TNFRSF11A protein (p.Ala560Glu). This variant is not present in population databases (gnomAD no frequency). This variant has not been reported in the literature in individuals affected with TNFRSF11A-related conditions. ClinVar contains an entry for this variant (Variation ID: 1368069). An algorithm developed to predict the effect of missense changes on protein structure and function (PolyPhen-2) suggests that this variant is likely to be tolerated. In summary, the available evidence is currently insufficient to determine the role of this variant in disease. Therefore, it has been classified as a Variant of Uncertain Significance.

NM_003839.4(TNFRSF11A):c.1679C>A (p.Ala560Glu)

Gene: TNFRSF11A (TNF receptor superfamily member 11a; plus strand). Cytogenetic location: 18q21.33.
Variant type: single nucleotide variant.
Coding change: c.1679C>A on transcript NM_003839.4 (MANE Select); coding-DNA position 1679, C replaced by A.
Protein change: p.Ala560Glu; replaces alanine 560 with glutamic acid.
Molecular consequence: missense variant. On other transcripts: 3 prime UTR variant (1).
Genome position (GRCh38, 1-based): chr18:62,384,862, C>A. VCF-style: chr18-62384862-C-A. GRCh37 (hg19) VCF-style: chr18-60052095-C-A.
Other names: c.*103C>A (NM_001270949.2); c.842C>A, p.Ala281Glu (NM_001270950.2); c.728C>A, p.Ala243Glu (NM_001270951.2); c.1637C>A, p.Ala546Glu (NM_001278268.2); short protein forms A546E, A560E, A281E, A243E.
Identifiers: ClinVar variation 1368069 (VCV001368069.8), dbSNP rs778631151, ClinGen allele CA402620211.